The following is an entry in ClinVar:

NM_001943.5(DSG2):c.2759T>C (p.Val920Ala)

Genes: DSG2 (desmoglein 2; plus strand), DSG2-AS1 (DSG2 antisense RNA 1; minus strand). Cytogenetic location: 18q12.1.
Variant type: single nucleotide variant.
Coding change: c.2759T>C on transcript NM_001943.5 (MANE Select); coding-DNA position 2759, T replaced by C.
Protein change: p.Val920Ala; replaces valine 920 with alanine.
Molecular consequence: missense variant.
Genome position (GRCh38, 1-based): chr18:31,546,145, T>C. VCF-style: chr18-31546145-T-C. GRCh37 (hg19) VCF-style: chr18-29126108-T-C.
Other names: short protein forms V920A.
Identifiers: ClinVar variation 1795646 (VCV001795646.2), dbSNP rs142841727, ClinGen allele CA402146652.

ClinVar aggregate classification (germline): Uncertain significance (1 of 4 stars; one submission).

Conditions:
Cardiovascular phenotype. Identifiers: MedGen CN230736.

Submission:

Ambry Genetics
Classification: Uncertain significance for Cardiovascular phenotype. Last evaluated: 2021-11-28. Review status: criteria provided, single submitter. Criteria: Ambry Variant Classification Scheme 2023. Collection method: clinical testing. Allele origin: germline.
Comment: The p.V920A variant (also known as c.2759T>C), located in coding exon 15 of the DSG2 gene, results from a T to C substitution at nucleotide position 2759. The valine at codon 920 is replaced by alanine, an amino acid with similar properties. This amino acid position is conserved. In addition, this alteration is predicted to be tolerated by in silico analysis. Since supporting evidence is limited at this time, the clinical significance of this alteration remains unclear.